The following is an entry in ClinVar:

NM_000093.5(COL5A1):c.3974C>T (p.Pro1325Leu)

Gene: COL5A1 (collagen type V alpha 1 chain; plus strand). Cytogenetic location: 9q34.3.
Variant type: single nucleotide variant.
Coding change: c.3974C>T on transcript NM_000093.5 (MANE Select); coding-DNA position 3974, C replaced by T.
Protein change: p.Pro1325Leu; replaces proline 1325 with leucine.
Molecular consequence: missense variant.
Genome position (GRCh38, 1-based): chr9:134,814,864, C>T. VCF-style: chr9-134814864-C-T. GRCh37 (hg19) VCF-style: chr9-137706710-C-T.
Other names: c.3974C>T, p.Pro1325Leu (NM_001278074.1); short protein forms P1325L.
Identifiers: ClinVar variation 3381330 (VCV003381330.2).

ClinVar aggregate classification (germline): Uncertain significance (1 of 4 stars; one submission).

Submission:

GeneDx
Classification: Uncertain significance. Last evaluated: 2026-01-05. Review status: criteria provided, single submitter. Criteria: GeneDx Variant Classification Process June 2021. Collection method: clinical testing. Allele origin: germline.
Comment: Not observed at significant frequency in large population cohorts (gnomAD); In silico analysis supports that this missense variant has a deleterious effect on protein structure/function; Occurs in the triple helical domain at the X position in the canonical Gly-X-Y repeat; although this variant may have an effect on normal protein folding and function, missense substitution at the X position is not a common mechanism of disease (PMID: 22696272; HGMD); Has not been previously published as pathogenic or benign to our knowledge; This variant is associated with the following publications: (PMID: 22696272)